The following is an entry in ClinVar:

NM_000057.4(BLM):c.1027T>C (p.Ser343Pro)

Gene: BLM (BLM RecQ like helicase; plus strand). Cytogenetic location: 15q26.1.
Variant type: single nucleotide variant.
Coding change: c.1027T>C on transcript NM_000057.4 (MANE Select); coding-DNA position 1027, T replaced by C.
Protein change: p.Ser343Pro; replaces serine 343 with proline.
Molecular consequence: missense variant. On other transcripts: 5 prime UTR variant (1).
Genome position (GRCh38, 1-based): chr15:90,754,878, T>C. VCF-style: chr15-90754878-T-C. GRCh37 (hg19) VCF-style: chr15-91298108-T-C.
Other names: c.-265T>C (NM_001287248.2); c.1027T>C, p.Ser343Pro (NM_001287246.2, NM_001287247.2); short protein forms S343P.
Identifiers: ClinVar variation 3261015 (VCV003261015.1).

ClinVar aggregate classification (germline): Uncertain significance (1 of 4 stars; one submission).

Conditions:
Hereditary cancer-predisposing syndrome. Also called: Hereditary Cancer Syndrome; Tumor predisposition; Hereditary neoplastic syndrome; Neoplastic Syndromes, Hereditary. Identifiers: Orphanet 140162, MedGen C0027672, MeSH D009386, MONDO:0015356.

Submission:

Ambry Genetics
Classification: Uncertain significance for Hereditary cancer-predisposing syndrome. Last evaluated: 2024-03-23. Review status: criteria provided, single submitter. Criteria: Ambry Variant Classification Scheme 2023. Collection method: clinical testing. Allele origin: germline.
Comment: The p.S343P variant (also known as c.1027T>C), located in coding exon 4 of the BLM gene, results from a T to C substitution at nucleotide position 1027. The serine at codon 343 is replaced by proline, an amino acid with similar properties. This amino acid position is conserved. In addition, this alteration is predicted to be tolerated by in silico analysis. Based on the available evidence, the clinical significance of this alteration remains unclear.